The following is an entry in ClinVar:

NM_004519.4(KCNQ3):c.567C>T (p.Gly189=)

Gene: KCNQ3 (potassium voltage-gated channel subfamily Q member 3; minus strand). Cytogenetic location: 8q24.22.
Variant type: single nucleotide variant.
Coding change: c.567C>T on transcript NM_004519.4 (MANE Select); coding-DNA position 567, C replaced by T.
Protein change: p.Gly189=; no amino-acid change (glycine 189 retained).
Molecular consequence: synonymous variant.
Genome position (GRCh38, 1-based): chr8:132,184,278, G>A on the plus strand (C>T on the coding strand, the complement: KCNQ3 is on the minus strand). VCF-style: chr8-132184278-G-A. GRCh37 (hg19) VCF-style: chr8-133196525-G-A.
Other names: c.207C>T, p.Gly69= (NM_001204824.2).
Identifiers: ClinVar variation 392532 (VCV000392532.1), dbSNP rs1057524531, ClinGen allele CA16605185.

ClinVar aggregate classification (germline): Likely benign (1 of 4 stars; one submission).

Submission:

GeneDx
Classification: Likely benign. Last evaluated: 2017-01-06. Review status: criteria provided, single submitter. Criteria: GeneDx Variant Classification (06012015). Collection method: clinical testing. Allele origin: germline. Affected: yes.
Comment: This variant is considered likely benign or benign based on one or more of the following criteria: it is a conservative change, it occurs at a poorly conserved position in the protein, it is predicted to be benign by multiple in silico algorithms, and/or has population frequency not consistent with disease.